The following is an entry in ClinVar:

NM_000152.5(GAA):c.2041C>T (p.Pro681Ser)

Gene: GAA (alpha glucosidase; plus strand). Cytogenetic location: 17q25.3.
Variant type: single nucleotide variant.
Coding change: c.2041C>T on transcript NM_000152.5 (MANE Select); coding-DNA position 2041, C replaced by T.
Protein change: p.Pro681Ser; replaces proline 681 with serine.
Molecular consequence: missense variant.
Genome position (GRCh38, 1-based): chr17:80,113,218, C>T. VCF-style: chr17-80113218-C-T. GRCh37 (hg19) VCF-style: chr17-78087017-C-T.
Other names: c.2041C>T, p.Pro681Ser (NM_001079803.3, NM_001079804.3); short protein forms P681S.
Identifiers: ClinVar variation 834913 (VCV000834913.7), dbSNP rs2039286160, ClinGen allele CA401370282.

ClinVar aggregate classification (germline): Uncertain significance. Review status: criteria provided, single submitter (1 of 4 stars). 2 submissions from 2 submitters: Uncertain significance (1). 1 of the submissions does not count toward it. Last evaluated 2021-08-28.

Conditions:
Glycogen storage disease, type II (IOPD). Also called: GLYCOGENOSIS, GENERALIZED, CARDIAC FORM; GSD II; Pompe Disease; Glycogen storage disease type 2; Acid maltase deficiency disease; Aglucosidase alfa. Identifiers: Orphanet 365, MedGen C0017921, MONDO:0009290, OMIM 232300.

Allele frequency attached by ClinVar (database versions not stated): gnomAD exomes below 0.00001.
gnomAD v4.1: 4 of 1,597,556 alleles (0.00025%); highest among the groups gnomAD compares: Non-Finnish European, 0.00034%; no homozygotes.

Submissions (2):

Labcorp Genetics (formerly Invitae), Labcorp
Classification: Uncertain significance for Glycogen storage disease, type II. Last evaluated: 2021-08-28. Review status: criteria provided, single submitter. Criteria: Invitae Variant Classification Sherloc (09022015). Collection method: clinical testing. Allele origin: germline.
Comment: This sequence change replaces proline with serine at codon 681 of the GAA protein (p.Pro681Ser). The proline residue is highly conserved and there is a moderate physicochemical difference between proline and serine. This variant is not present in population databases (ExAC no frequency). This variant has not been reported in the literature in individuals affected with GAA-related conditions. Algorithms developed to predict the effect of missense changes on protein structure and function (SIFT, PolyPhen-2, Align-GVGD) all suggest that this variant is likely to be tolerated. In summary, the available evidence is currently insufficient to determine the role of this variant in disease. Therefore, it has been classified as a Variant of Uncertain Significance.

Natera, Inc.
Classification: Uncertain significance for Glycogen storage disease type II. Last evaluated: 2020-09-02. Review status: no assertion criteria provided. Collection method: clinical testing. Allele origin: germline. Not counted in ClinVar's aggregate classification.